The following is an entry in ClinVar:

ClinVar aggregate classification (germline): Uncertain significance. Review status: criteria provided, multiple submitters, no conflicts (2 of 4 stars). 2 submissions from 2 submitters: Uncertain significance (2). Last evaluated 2024-01-04.

Conditions:
Hereditary cancer-predisposing syndrome. Also called: Tumor predisposition; Hereditary Cancer Syndrome; Hereditary neoplastic syndrome; Neoplastic Syndromes, Hereditary. Identifiers: Orphanet 140162, MedGen C0027672, MeSH D009386, MONDO:0015356.
Hereditary nonpolyposis colorectal neoplasms. Identifiers: MedGen C0009405, MeSH D003123.

Submissions (2):

Ambry Genetics
Classification: Uncertain significance for Hereditary cancer-predisposing syndrome. Last evaluated: 2024-01-04. Review status: criteria provided, single submitter. Criteria: Ambry Variant Classification Scheme 2023. Collection method: clinical testing. Allele origin: germline.
Comment: The p.W105C variant (also known as c.315G>T), located in coding exon 2 of the MSH6 gene, results from a G to T substitution at nucleotide position 315. The tryptophan at codon 105 is replaced by cysteine, an amino acid with highly dissimilar properties. This amino acid position is highly conserved in available vertebrate species. In addition, this alteration is predicted to be deleterious by in silico analysis. Since supporting evidence is limited at this time, the clinical significance of this alteration remains unclear.

Labcorp Genetics (formerly Invitae), Labcorp
Classification: Uncertain significance for Hereditary nonpolyposis colorectal neoplasms. Last evaluated: 2021-03-07. Review status: criteria provided, single submitter. Criteria: Invitae Variant Classification Sherloc (09022015). Collection method: clinical testing. Allele origin: germline.
Comment: This sequence change replaces tryptophan with cysteine at codon 105 of the MSH6 protein (p.Trp105Cys). The tryptophan residue is highly conserved and there is a large physicochemical difference between tryptophan and cysteine. In summary, this variant is a novel missense change with uncertain impact on protein function. It has been classified as a Variant of Uncertain Significance. Algorithms developed to predict the effect of missense changes on protein structure and function (SIFT, PolyPhen-2, Align-GVGD) all suggest that this variant is likely to be disruptive, but these predictions have not been confirmed by published functional studies. This variant is not present in population databases (ExAC no frequency) and has not been reported in the literature in individuals with a MSH6-related disease.

NM_000179.3(MSH6):c.315G>T (p.Trp105Cys)

Gene: MSH6 (mutS homolog 6; plus strand). Cytogenetic location: 2p16.3.
Variant type: single nucleotide variant.
Coding change: c.315G>T on transcript NM_000179.3 (MANE Select); coding-DNA position 315, G replaced by T.
Protein change: p.Trp105Cys; replaces tryptophan 105 with cysteine.
Molecular consequence: missense variant. On other transcripts: 5 prime UTR variant (2), intron variant (1).
Genome position (GRCh38, 1-based): chr2:47,790,981, G>T. VCF-style: chr2-47790981-G-T. GRCh37 (hg19) VCF-style: chr2-48018120-G-T.
Other names: c.-422G>T (NM_001281493.2); c.-588G>T (NM_001281494.2); c.237+7511G>T (NM_001281492.2); short protein forms W105C.
Identifiers: ClinVar variation 410439 (VCV000410439.12), dbSNP rs1060502902, ClinGen allele CA16610883.